The following is an entry in ClinVar:

NM_032898.5(CEP19):c.11C>G (p.Thr4Ser)

Gene: CEP19 (centrosomal protein 19; minus strand). Cytogenetic location: 3q29.
Variant type: single nucleotide variant.
Coding change: c.11C>G on transcript NM_032898.5 (MANE Select); coding-DNA position 11, C replaced by G.
Protein change: p.Thr4Ser; replaces threonine 4 with serine.
Molecular consequence: missense variant. On other transcripts: intron variant (1).
Genome position (GRCh38, 1-based): chr3:196,708,647, G>C on the plus strand (C>G on the coding strand, the complement: CEP19 is on the minus strand). VCF-style: chr3-196708647-G-C. GRCh37 (hg19) VCF-style: chr3-196435518-G-C.
Other names: c.11C>G, p.Thr4Ser (NM_001379469.1, NM_001379470.1); c.26-735C>G (NM_001379468.1); short protein forms T4S.
Identifiers: ClinVar variation 2099787 (VCV002099787.3), dbSNP rs1037396184, ClinGen allele CA90867948.

ClinVar aggregate classification (germline): Uncertain significance (1 of 4 stars; one submission).

Allele frequency attached by ClinVar (database versions not stated): gnomAD exomes below 0.00001; gnomAD 0.00001.

Submission:

Labcorp Genetics (formerly Invitae), Labcorp
Classification: Uncertain significance. Last evaluated: 2022-02-19. Review status: criteria provided, single submitter. Criteria: Invitae Variant Classification Sherloc (09022015). Collection method: clinical testing. Allele origin: germline.
Comment: Algorithms developed to predict the effect of missense changes on protein structure and function (SIFT, PolyPhen-2, Align-GVGD) all suggest that this variant is likely to be tolerated. This sequence change replaces threonine, which is neutral and polar, with serine, which is neutral and polar, at codon 8 of the CEP19 protein (p.Thr8Ser). This variant is not present in population databases (gnomAD no frequency). This variant has not been reported in the literature in individuals affected with CEP19-related conditions. In summary, the available evidence is currently insufficient to determine the role of this variant in disease. Therefore, it has been classified as a Variant of Uncertain Significance.